The following is an entry in ClinVar:

NM_004289.7(NFE2L3):c.1281_1294delinsGAC (p.His427fs)

Gene: NFE2L3 (NFE2 like bZIP transcription factor 3; plus strand). Cytogenetic location: 7p15.2.
Variant type: Indel.
Coding change: c.1281_1294delinsGAC on transcript NM_004289.7 (MANE Select); coding-DNA positions 1281 to 1294, CAATAATACCTCTG replaced by GAC.
Protein change: p.His427fs; shifts the reading frame from histidine 427.
Molecular consequence: frameshift variant.
Genome position (GRCh38, 1-based): chr7:26,184,979-26,184,992, CAATAATACCTCTG replaced by GAC. VCF-style: chr7-26184979-CAATAATACCTCTG-GAC. GRCh37 (hg19) VCF-style: chr7-26224599-CAATAATACCTCTG-GAC.
Other names: short protein forms H427fs.
Identifiers: ClinVar variation 5000663 (VCV005000663.1).

ClinVar aggregate classification (germline): Uncertain significance (1 of 4 stars; one submission).

Conditions:
NFE2L3-related condition.

Submission:

PreventionGenetics, part of Exact Sciences
Classification: Uncertain significance for NFE2L3-related condition. Last evaluated: 2025-08-06. Review status: criteria provided, single submitter. Criteria: ACMG Guidelines, 2015. Collection method: clinical testing. Allele origin: germline.
Comment: The NFE2L3 c.1281_1294delinsGAC variant is predicted to result in a frameshift and premature protein termination (p.His427Glnfs*6). To our knowledge, this variant has not been reported in the literature or in a large population database (gnomAD), indicating this variant is rare. At this time, the clinical significance of this variant is uncertain due to the absence of conclusive functional and genetic evidence.